The following is an entry in ClinVar:

NM_000362.5(TIMP3):c.584A>G (p.Tyr195Cys)

Genes: SYN3 (synapsin III; minus strand), TIMP3 (TIMP metallopeptidase inhibitor 3; plus strand). Cytogenetic location: 22q12.3.
Variant type: single nucleotide variant.
Coding change: c.584A>G on transcript NM_000362.5 (MANE Select); coding-DNA position 584, A replaced by G.
Protein change: p.Tyr195Cys; replaces tyrosine 195 with cysteine.
Molecular consequence: missense variant. On other transcripts: intron variant (7).
Genome position (GRCh38, 1-based): chr22:32,859,325, A>G. VCF-style: chr22-32859325-A-G. GRCh37 (hg19) VCF-style: chr22-33255312-A-G.
Other names: c.708+5590T>C (NM_001369909.1, NM_001135774.2, NM_001369910.1); c.711+5590T>C (NM_001369907.1, NM_003490.4, NM_001369908.1 and 1 more transcripts); short protein forms Y195C.
Identifiers: ClinVar variation 1068059 (VCV001068059.7), dbSNP rs2146297115, ClinGen allele CA411540455.

ClinVar aggregate classification (germline): Likely pathogenic (1 of 4 stars; one submission).

Submission:

Labcorp Genetics (formerly Invitae), Labcorp
Classification: Likely pathogenic. Last evaluated: 2021-11-01. Review status: criteria provided, single submitter. Criteria: Invitae Variant Classification Sherloc (09022015). Collection method: clinical testing. Allele origin: germline.
Comment: This sequence change replaces tyrosine, which is neutral and polar, with cysteine, which is neutral and slightly polar, at codon 195 of the TIMP3 protein (p.Tyr195Cys). In summary, the currently available evidence indicates that the variant is pathogenic, but additional data are needed to prove that conclusively. Therefore, this variant has been classified as Likely Pathogenic. Algorithms developed to predict the effect of missense changes on protein structure and function are either unavailable or do not agree on the potential impact of this missense change (SIFT: "Tolerated"; PolyPhen-2: "Probably Damaging"; Align-GVGD: "Class C0"). ClinVar contains an entry for this variant (Variation ID: 1068059). This missense change has been observed in individuals with diagnosis of or clinical features of Sorsby fundus dystrophy (PMID: 11879143). It has also been observed to segregate with disease in related individuals. This variant is not present in population databases (gnomAD no frequency).

Literature cited by the submitters: PubMed 11879143.